The following is an entry in ClinVar:

NM_001330360.2(POLA1):c.926A>G (p.Asp309Gly)

Gene: POLA1 (DNA polymerase alpha 1, catalytic subunit; plus strand). Cytogenetic location: Xp22.11.
Variant type: single nucleotide variant.
Coding change: c.926A>G on transcript NM_001330360.2 (MANE Select); coding-DNA position 926, A replaced by G.
Protein change: p.Asp309Gly; replaces aspartic acid 309 with glycine.
Molecular consequence: missense variant. On other transcripts: non-coding transcript variant (2).
Genome position (GRCh38, 1-based): chrX:24,717,597, A>G. VCF-style: chrX-24717597-A-G. GRCh37 (hg19) VCF-style: chrX-24735714-A-G.
Other names: c.926A>G, p.Asp309Gly (NM_001378303.1); c.908A>G, p.Asp303Gly (NM_016937.4); short protein forms D309G, D303G.
Identifiers: ClinVar variation 3935502 (VCV003935502.2).

ClinVar aggregate classification (germline): Uncertain significance. Review status: criteria provided, multiple submitters, no conflicts (2 of 4 stars). 2 submissions from 2 submitters: Uncertain significance (2). Last evaluated 2026-01-11.

Conditions:
Inborn genetic diseases. Identifiers: MedGen C0950123, MeSH D030342.

Submissions (2):

Labcorp Genetics (formerly Invitae), Labcorp
Classification: Uncertain significance. Last evaluated: 2026-01-11. Review status: criteria provided, single submitter. Criteria: Invitae Variant Classification Sherloc (09022015). Collection method: clinical testing. Allele origin: germline.
Comment: This sequence change replaces aspartic acid, which is acidic and polar, with glycine, which is neutral and non-polar, at codon 303 of the POLA1 protein (p.Asp303Gly). This variant is not present in population databases (gnomAD no frequency). This variant has not been reported in the literature in individuals affected with POLA1-related conditions. ClinVar contains an entry for this variant (Variation ID: 3935502). Invitae Evidence Modeling of protein sequence and biophysical properties (such as structural, functional, and spatial information, amino acid conservation, physicochemical variation, residue mobility, and thermodynamic stability) indicates that this missense variant is not expected to disrupt POLA1 protein function with a negative predictive value of 80%. In summary, the available evidence is currently insufficient to determine the role of this variant in disease. Therefore, it has been classified as a Variant of Uncertain Significance.

Ambry Genetics
Classification: Uncertain significance for Inborn genetic diseases. Last evaluated: 2025-05-07. Review status: criteria provided, single submitter. Criteria: Ambry Variant Classification Scheme 2023. Collection method: clinical testing. Allele origin: germline.